The following is an entry in ClinVar:

NM_004994.3(MMP9):c.760C>A (p.Pro254Thr)

Gene: MMP9 (matrix metallopeptidase 9; plus strand). Cytogenetic location: 20q13.12.
Variant type: single nucleotide variant.
Coding change: c.760C>A on transcript NM_004994.3 (MANE Select); coding-DNA position 760, C replaced by A.
Protein change: p.Pro254Thr; replaces proline 254 with threonine.
Molecular consequence: missense variant.
Genome position (GRCh38, 1-based): chr20:46,011,253, C>A. VCF-style: chr20-46011253-C-A. GRCh37 (hg19) VCF-style: chr20-44639892-C-A.
Other names: short protein forms P254T.
Identifiers: ClinVar variation 2893738 (VCV002893738.3), dbSNP rs1349186420, ClinGen allele CA409213715.

ClinVar aggregate classification (germline): Uncertain significance (1 of 4 stars; one submission).

Submission:

Labcorp Genetics (formerly Invitae), Labcorp
Classification: Uncertain significance. Last evaluated: 2023-07-07. Review status: criteria provided, single submitter. Criteria: Invitae Variant Classification Sherloc (09022015). Collection method: clinical testing. Allele origin: germline.
Comment: In summary, the available evidence is currently insufficient to determine the role of this variant in disease. Therefore, it has been classified as a Variant of Uncertain Significance. Advanced modeling of protein sequence and biophysical properties (such as structural, functional, and spatial information, amino acid conservation, physicochemical variation, residue mobility, and thermodynamic stability) performed at Invitae indicates that this missense variant is not expected to disrupt MMP9 protein function. This variant has not been reported in the literature in individuals affected with MMP9-related conditions. This variant is not present in population databases (gnomAD no frequency). This sequence change replaces proline, which is neutral and non-polar, with threonine, which is neutral and polar, at codon 254 of the MMP9 protein (p.Pro254Thr).